The following is an entry in ClinVar:

NM_002691.4(POLD1):c.1732G>C (p.Gly578Arg)

Gene: POLD1 (DNA polymerase delta 1, catalytic subunit; plus strand). Cytogenetic location: 19q13.33.
Variant type: single nucleotide variant.
Coding change: c.1732G>C on transcript NM_002691.4 (MANE Select); coding-DNA position 1732, G replaced by C.
Protein change: p.Gly578Arg; replaces glycine 578 with arginine.
Molecular consequence: missense variant. On other transcripts: non-coding transcript variant (1).
Genome position (GRCh38, 1-based): chr19:50,407,372, G>C. VCF-style: chr19-50407372-G-C. GRCh37 (hg19) VCF-style: chr19-50910629-G-C.
Other names: c.1732G>C, p.Gly578Arg (NM_001256849.1, NM_001308632.1); short protein forms G578R.
Identifiers: ClinVar variation 2448215 (VCV002448215.4), dbSNP rs753850419, ClinGen allele CA406981259.

ClinVar aggregate classification (germline): Uncertain significance. Review status: criteria provided, multiple submitters, no conflicts (2 of 4 stars). 2 submissions from 2 submitters: Uncertain significance (2). Last evaluated 2025-01-23.

Conditions:
POLD1-related polyposis and colorectal cancer syndrome (CRCS10). Also called: COLORECTAL CANCER, SUSCEPTIBILITY TO, ON CHROMOSOME 19q; Colorectal cancer 10; Colorectal cancer, susceptibility to, 10. Identifiers: Orphanet 220460, MedGen C2675481, MONDO:0012953, OMIM 612591.
Hereditary cancer-predisposing syndrome. Also called: Neoplastic Syndromes, Hereditary; Tumor predisposition; Hereditary Cancer Syndrome; Hereditary neoplastic syndrome. Identifiers: Orphanet 140162, MedGen C0027672, MeSH D009386, MONDO:0015356.

Submissions (2):

Labcorp Genetics (formerly Invitae), Labcorp
Classification: Uncertain significance for POLD1-related polyposis and colorectal cancer syndrome. Last evaluated: 2025-01-23. Review status: criteria provided, single submitter. Criteria: Invitae Variant Classification Sherloc (09022015). Collection method: clinical testing. Allele origin: germline.
Comment: This sequence change replaces glycine, which is neutral and non-polar, with arginine, which is basic and polar, at codon 578 of the POLD1 protein (p.Gly578Arg). This variant is not present in population databases (gnomAD no frequency). This variant has not been reported in the literature in individuals affected with POLD1-related conditions. ClinVar contains an entry for this variant (Variation ID: 2448215). Invitae Evidence Modeling of protein sequence and biophysical properties (such as structural, functional, and spatial information, amino acid conservation, physicochemical variation, residue mobility, and thermodynamic stability) indicates that this missense variant is not expected to disrupt POLD1 protein function with a negative predictive value of 80%. In summary, the available evidence is currently insufficient to determine the role of this variant in disease. Therefore, it has been classified as a Variant of Uncertain Significance.

Ambry Genetics
Classification: Uncertain significance for Hereditary cancer-predisposing syndrome. Last evaluated: 2023-03-09. Review status: criteria provided, single submitter. Criteria: Ambry Variant Classification Scheme 2023. Collection method: clinical testing. Allele origin: germline.
Comment: The p.G578R variant (also known as c.1732G>C), located in coding exon 13 of the POLD1 gene, results from a G to C substitution at nucleotide position 1732. The glycine at codon 578 is replaced by arginine, an amino acid with dissimilar properties. This amino acid position is conserved. In addition, this alteration is predicted to be tolerated by in silico analysis. Since supporting evidence is limited at this time, the clinical significance of this alteration remains unclear.